The following is an entry in ClinVar:

ClinVar aggregate classification (germline): Uncertain significance (1 of 4 stars; one submission).

Conditions:
CACNB2-related disorder. Also called: CACNB2-related condition.

Allele frequency attached by ClinVar (database versions not stated): TOPMed below 0.00001; gnomAD 0.00001.
gnomAD v4.1: 1 of 1,613,956 alleles (0.000062%); highest among the groups gnomAD compares: Non-Finnish European, 0.000085%; no homozygotes.

Submission:

PreventionGenetics, part of Exact Sciences
Classification: Uncertain significance for CACNB2-related condition. Last evaluated: 2025-10-11. Review status: criteria provided, single submitter. Criteria: ACMG Guidelines, 2015. Collection method: clinical testing. Allele origin: germline.
Comment: The CACNB2 c.571T>C variant is predicted to result in the amino acid substitution p.Ser191Pro. To our knowledge, this variant has not been reported in the literature or in a large population database (gnomAD), indicating this variant is rare. At this time, the clinical significance of this variant is uncertain due to the absence of conclusive functional and genetic evidence.

NM_201596.3(CACNB2):c.733T>C (p.Ser245Pro)

Gene: CACNB2 (calcium voltage-gated channel auxiliary subunit beta 2; plus strand). Cytogenetic location: 10p12.31.
Variant type: single nucleotide variant.
Coding change: c.733T>C on transcript NM_201596.3 (MANE Select); coding-DNA position 733, T replaced by C.
Protein change: p.Ser245Pro; replaces serine 245 with proline.
Molecular consequence: missense variant. On other transcripts: intron variant (6).
Genome position (GRCh38, 1-based): chr10:18,514,298, T>C. VCF-style: chr10-18514298-T-C. GRCh37 (hg19) VCF-style: chr10-18803227-T-C.
Other names: c.568T>C, p.Ser190Pro (NM_000724.4); c.589T>C, p.Ser197Pro (NM_201570.3); c.649T>C, p.Ser217Pro (NM_201571.4); c.571T>C, p.Ser191Pro (NM_201590.3); c.587-213T>C (NM_001167945.2); c.587-682T>C (NM_201572.4); c.671-213T>C (NM_201593.3); c.671-682T>C (NM_201597.3); and 2 more; short protein forms S190P, S191P, S197P, S217P, S245P.
Identifiers: ClinVar variation 2632352 (VCV002632352.2), dbSNP rs1241974896, ClinGen allele CA376060636.